The following is an entry in ClinVar:

ClinVar aggregate classification (germline): Uncertain significance (1 of 4 stars; one submission).

Allele frequency attached by ClinVar (database versions not stated): gnomAD exomes below 0.00001.
gnomAD v4.1: 1 of 1,613,700 alleles (0.000062%); highest among the groups gnomAD compares: Admixed American, 0.0017%; no homozygotes.

Submission:

Labcorp Genetics (formerly Invitae), Labcorp
Classification: Uncertain significance. Last evaluated: 2021-08-15. Review status: criteria provided, single submitter. Criteria: Invitae Variant Classification Sherloc (09022015). Collection method: clinical testing. Allele origin: germline.
Comment: This sequence change replaces asparagine with lysine at codon 471 of the ADSSL1 protein (p.Asn471Lys). There is a moderate physicochemical difference between asparagine and lysine. In summary, the available evidence is currently insufficient to determine the role of this variant in disease. Therefore, it has been classified as a Variant of Uncertain Significance. Algorithms developed to predict the effect of missense changes on protein structure and function are either unavailable or do not agree on the potential impact of this missense change (SIFT: "Not Available"; PolyPhen-2: "Benign"; Align-GVGD: "Not Available"). This variant has not been reported in the literature in individuals affected with ADSSL1-related conditions. This variant is not present in population databases (ExAC no frequency).

NM_152328.5(ADSS1):c.1284C>G (p.Asn428Lys)

Gene: ADSS1 (adenylosuccinate synthase 1; plus strand). Cytogenetic location: 14q32.33.
Variant type: single nucleotide variant.
Coding change: c.1284C>G on transcript NM_152328.5 (MANE Select); coding-DNA position 1284, C replaced by G.
Protein change: p.Asn428Lys; replaces asparagine 428 with lysine.
Molecular consequence: missense variant.
Genome position (GRCh38, 1-based): chr14:104,746,348, C>G. VCF-style: chr14-104746348-C-G. GRCh37 (hg19) VCF-style: chr14-105212685-C-G.
Other names: c.669C>G, p.Asn223Lys (NM_001320424.1); c.1413C>G, p.Asn471Lys (NM_199165.2); short protein forms N223K, N428K, N471K.
Identifiers: ClinVar variation 1682028 (VCV001682028.6), dbSNP rs2140834117, ClinGen allele CA391245113.